The following is an entry in ClinVar:

NM_004990.4(MARS1):c.2114dup (p.Leu705fs)

Gene: MARS1 (methionyl-tRNA synthetase 1; plus strand). Cytogenetic location: 12q13.3.
Variant type: Duplication.
Coding change: c.2114dup on transcript NM_004990.4 (MANE Select); coding-DNA position 2114, one base duplicated (T; older notation c.2114dupT).
Protein change: p.Leu705fs; shifts the reading frame from leucine 705.
Molecular consequence: frameshift variant.
Genome position (GRCh38, 1-based): chr12:57,514,968, T duplicated; the last of 2 consecutive T bases (chr12:57,514,967-57,514,968); duplicating either gives the same sequence. VCF-style (leftmost placement, unchanged base first): chr12-57514966-C-CT. GRCh37 (hg19) VCF-style: chr12-57908749-C-CT.
Other names: c.2114dupT (NM_004990.3); short protein forms L705fs.
Identifiers: ClinVar variation 1681773 (VCV001681773.29), dbSNP rs777324495, ClinGen allele CA6650714.

ClinVar aggregate classification (germline): Conflicting classifications of pathogenicity. Review status: criteria provided, conflicting classifications (1 of 4 stars). 5 submissions from 5 submitters: Likely pathogenic (1); Uncertain significance (4). Last evaluated 2025-12-04.

Conditions:
Severe early-onset pulmonary alveolar proteinosis due to MARS deficiency. Also called: PULMONARY ALVEOLAR PROTEINOSIS, REUNION ISLAND; Interstitial lung and liver disease. Identifiers: Orphanet 440427, MedGen C4225400, MONDO:0014206, OMIM 615486.
Charcot-Marie-Tooth disease axonal type 2U. Also called: CHARCOT-MARIE-TOOTH NEUROPATHY, TYPE 2U; CHARCOT-MARIE-TOOTH DISEASE, AXONAL, AUTOSOMAL DOMINANT, TYPE 2U. Identifiers: Orphanet 397735, MedGen C4084821, MONDO:0014566, OMIM 616280.
MARS1-related disorder. Also called: MARS1-related condition.

Submissions (5):

PreventionGenetics, part of Exact Sciences
Classification: Uncertain significance for MARS1-related condition. Last evaluated: 2025-12-04. Review status: criteria provided, single submitter. Criteria: ACMG Guidelines, 2015. Collection method: clinical testing. Allele origin: germline.
Comment: The MARS1 c.2114dupT variant is predicted to result in a frameshift and premature protein termination (p.Leu705Phefs*19). This variant was reported in an individual with features of spastic paraplegia; however, pathogenicity was not established (Yalcintepe et al. 2021. PubMed ID: 34169998). This variant is reported in 0.020% of alleles in individuals of European (non-Finnish) descent in gnomAD. Loss of function is not an established mechanism of MARS1-related disease. At this time, the clinical significance of this variant is uncertain due to the absence of conclusive functional and genetic evidence.

Labcorp Genetics (formerly Invitae), Labcorp
Classification: Uncertain significance for Charcot-Marie-Tooth disease axonal type 2U; Severe early-onset pulmonary alveolar proteinosis due to MARS deficiency. Last evaluated: 2025-07-20. Review status: criteria provided, single submitter. Criteria: Invitae Variant Classification Sherloc (09022015). Collection method: clinical testing. Allele origin: germline.
Comment: This sequence change creates a premature translational stop signal (p.Leu705Phefs*19) in the MARS gene. It is expected to result in an absent or disrupted protein product. However, the current clinical and genetic evidence is not sufficient to establish whether loss-of-function variants in MARS cause disease. This variant is present in population databases (rs777324495, gnomAD 0.02%). This premature translational stop signal has been observed in individual(s) with clinical features of Charcot-Marie-Tooth (PMID: 34169998). ClinVar contains an entry for this variant (Variation ID: 1681773). In summary, the available evidence is currently insufficient to determine the role of this variant in disease. Therefore, it has been classified as a Variant of Uncertain Significance.

Blueprint Genetics
Classification: Uncertain significance. Last evaluated: 2024-10-16. Review status: criteria provided, single submitter. Criteria: ACMG Guidelines, 2015. Collection method: clinical testing. Allele origin: germline.

CeGaT Center for Human Genetics Tuebingen
Classification: Likely pathogenic. Last evaluated: 2024-04-01. Review status: criteria provided, single submitter. Criteria: CeGaT Center For Human Genetics Tuebingen Variant Classification Criteria Version 2. Collection method: clinical testing. Allele origin: germline. Affected: yes. Observed: 2 variant alleles.
Comment: MARS1: PM2, PM3, PP4, PVS1:Supporting

Institute of Human Genetics, Clinical Exome/Genome Diagnostics Group, University Hospital Bonn
Classification: Uncertain significance for Charcot-Marie-Tooth disease axonal type 2U. Last evaluated: 2022-09-12. Review status: criteria provided, single submitter. Criteria: ACMG Guidelines, 2015. Collection method: clinical testing. Allele origin: germline.

Literature cited by the submitters: PubMed 34169998 (cited by Labcorp Genetics (formerly Invitae), Labcorp).